The following is an entry in ClinVar:

NM_000256.3(MYBPC3):c.1169A>G (p.His390Arg)

Gene: MYBPC3 (myosin binding protein C3; minus strand). Cytogenetic location: 11p11.2.
Variant type: single nucleotide variant.
Coding change: c.1169A>G on transcript NM_000256.3 (MANE Select); coding-DNA position 1169, A replaced by G.
Protein change: p.His390Arg; replaces histidine 390 with arginine.
Molecular consequence: missense variant.
Genome position (GRCh38, 1-based): chr11:47,343,546, T>C on the plus strand (A>G on the coding strand, the complement: MYBPC3 is on the minus strand). VCF-style: chr11-47343546-T-C. GRCh37 (hg19) VCF-style: chr11-47365097-T-C.
Other names: short protein forms H390R.
Identifiers: ClinVar variation 3230866 (VCV003230866.1), dbSNP rs2495765563, ClinGen allele CA380328820.

ClinVar aggregate classification (germline): Uncertain significance (1 of 4 stars; one submission).

Conditions:
Cardiovascular phenotype. Identifiers: MedGen CN230736.

Submission:

Ambry Genetics
Classification: Uncertain significance for Cardiovascular phenotype. Last evaluated: 2024-01-23. Review status: criteria provided, single submitter. Criteria: Ambry Variant Classification Scheme 2023. Collection method: clinical testing. Allele origin: germline.
Comment: The p.H390R variant (also known as c.1169A>G), located in coding exon 13 of the MYBPC3 gene, results from an A to G substitution at nucleotide position 1169. The histidine at codon 390 is replaced by arginine, an amino acid with highly similar properties. This amino acid position is conserved. In addition, this alteration is predicted to be tolerated by in silico analysis. Based on the available evidence, the clinical significance of this alteration remains unclear.